The following is an entry in ClinVar:

NM_001085487.3(MYSM1):c.20A>G (p.Asp7Gly)

Genes: MYSM1 (Myb like, SWIRM and MPN domains 1; minus strand), LOC129930616 (ATAC-STARR-seq lymphoblastoid active region 1087; plus strand). Cytogenetic location: 1p32.1.
Variant type: single nucleotide variant.
Coding change: c.20A>G on transcript NM_001085487.3 (MANE Select); coding-DNA position 20, A replaced by G.
Protein change: p.Asp7Gly; replaces aspartic acid 7 with glycine.
Molecular consequence: missense variant.
Genome position (GRCh38, 1-based): chr1:58,700,033, T>C on the plus strand (A>G on the coding strand, the complement: MYSM1 is on the minus strand). VCF-style: chr1-58700033-T-C. GRCh37 (hg19) VCF-style: chr1-59165705-T-C.
Other names: short protein forms D7G.
Identifiers: ClinVar variation 4775364 (VCV004775364.1).

ClinVar aggregate classification (germline): Uncertain significance (1 of 4 stars; one submission).

Submission:

Labcorp Genetics (formerly Invitae), Labcorp
Classification: Uncertain significance. Last evaluated: 2025-07-24. Review status: criteria provided, single submitter. Criteria: Invitae Variant Classification Sherloc (09022015). Collection method: clinical testing. Allele origin: germline.
Comment: This sequence change replaces aspartic acid, which is acidic and polar, with glycine, which is neutral and non-polar, at codon 7 of the MYSM1 protein (p.Asp7Gly). This variant is not present in population databases (gnomAD no frequency). This variant has not been reported in the literature in individuals affected with MYSM1-related conditions. Invitae Evidence Modeling of protein sequence and biophysical properties (such as structural, functional, and spatial information, amino acid conservation, physicochemical variation, residue mobility, and thermodynamic stability) indicates that this missense variant is expected to disrupt MYSM1 protein function with a positive predictive value of 80%. In summary, the available evidence is currently insufficient to determine the role of this variant in disease. Therefore, it has been classified as a Variant of Uncertain Significance.